The following is an entry in ClinVar:

NM_201253.3(CRB1):c.3620C>A (p.Thr1207Asn)

Gene: CRB1 (crumbs cell polarity complex component 1; plus strand). Cytogenetic location: 1q31.3.
Variant type: single nucleotide variant.
Coding change: c.3620C>A on transcript NM_201253.3 (MANE Select); coding-DNA position 3620, C replaced by A.
Protein change: p.Thr1207Asn; replaces threonine 1207 with asparagine.
Molecular consequence: missense variant. On other transcripts: non-coding transcript variant (2), intron variant (1).
Genome position (GRCh38, 1-based): chr1:197,435,483, C>A. VCF-style: chr1-197435483-C-A. GRCh37 (hg19) VCF-style: chr1-197404613-C-A.
Other names: c.3284C>A, p.Thr1095Asn (NM_001193640.2); c.3548C>A, p.Thr1183Asn (NM_001257965.2); c.2129-117C>A (NM_001257966.2); c.3620C>A (NM_201253.2); short protein forms T1207N, T1183N, T1095N.
Identifiers: ClinVar variation 1436461 (VCV001436461.6), dbSNP rs1334175594, ClinGen allele CA344050003.

ClinVar aggregate classification (germline): Uncertain significance. Review status: criteria provided, multiple submitters, no conflicts (2 of 4 stars). 2 submissions from 2 submitters: Uncertain significance (2). Last evaluated 2025-02-10.

Conditions:
Retinitis pigmentosa 12 (RP12). Also called: RP WITH OR WITHOUT PRESERVED PARAARTERIOLE RETINAL PIGMENT EPITHELIUM; RETINITIS PIGMENTOSA WITH OR WITHOUT PARAARTERIOLAR PRESERVATION OF RETINAL PIGMENT EPITHELIUM; RP WITH OR WITHOUT PPRPE. Identifiers: Orphanet 791, MedGen C1838647, MONDO:0010818, OMIM 600105.
Leber congenital amaurosis 8 (LCA8). Identifiers: Orphanet 65, MedGen C3151202, MONDO:0013453, OMIM 613835.
CRB1-related disorder. Also called: CRB1-related disorders; CRB1-related condition.

Allele frequency attached by ClinVar (database versions not stated): gnomAD exomes below 0.00001 and 0.00001; gnomAD 0.00001; TOPMed 0.00002.

Submissions (2):

PreventionGenetics, part of Exact Sciences
Classification: Uncertain significance for CRB1-related condition. Last evaluated: 2025-02-10. Review status: criteria provided, single submitter. Criteria: ACMG Guidelines, 2015. Collection method: clinical testing. Allele origin: germline.
Comment: The CRB1 c.3620C>A variant is predicted to result in the amino acid substitution p.Thr1207Asn. To our knowledge, this variant has not been reported in the literature. This variant is present in 0.00091% of alleles in individuals of European (Non-Finnish) descent in gnomAD. At this time, the clinical significance of this variant is uncertain due to the absence of conclusive functional and genetic evidence.

Labcorp Genetics (formerly Invitae), Labcorp
Classification: Uncertain significance for Leber congenital amaurosis 8; Retinitis pigmentosa 12. Last evaluated: 2022-08-23. Review status: criteria provided, single submitter. Criteria: Invitae Variant Classification Sherloc (09022015). Collection method: clinical testing. Allele origin: germline.
Comment: This sequence change replaces threonine, which is neutral and polar, with asparagine, which is neutral and polar, at codon 1207 of the CRB1 protein (p.Thr1207Asn). The frequency data for this variant in the population databases is considered unreliable, as metrics indicate poor data quality at this position in the gnomAD database. This variant has not been reported in the literature in individuals affected with CRB1-related conditions. ClinVar contains an entry for this variant (Variation ID: 1436461). Advanced modeling of protein sequence and biophysical properties (such as structural, functional, and spatial information, amino acid conservation, physicochemical variation, residue mobility, and thermodynamic stability) performed at Invitae indicates that this missense variant is not expected to disrupt CRB1 protein function. In summary, the available evidence is currently insufficient to determine the role of this variant in disease. Therefore, it has been classified as a Variant of Uncertain Significance.